The following is an entry in ClinVar:

NM_015662.3(IFT172):c.4349C>T (p.Ala1450Val)

Gene: IFT172 (intraflagellar transport 172; minus strand). Cytogenetic location: 2p23.3.
Variant type: single nucleotide variant.
Coding change: c.4349C>T on transcript NM_015662.3 (MANE Select); coding-DNA position 4349, C replaced by T.
Protein change: p.Ala1450Val; replaces alanine 1450 with valine.
Molecular consequence: missense variant.
Genome position (GRCh38, 1-based): chr2:27,448,994, G>A on the plus strand (C>T on the coding strand, the complement: IFT172 is on the minus strand). VCF-style: chr2-27448994-G-A. GRCh37 (hg19) VCF-style: chr2-27671861-G-A.
Other names: c.4283C>T, p.Ala1428Val (NM_001410739.1); short protein forms A1428V, A1450V.
Identifiers: ClinVar variation 3347606 (VCV003347606.1).

ClinVar aggregate classification (germline): Uncertain significance (0 of 4 stars; one submission).

Conditions:
IFT172-related disorder. Also called: IFT172-related disorders; IFT172-related condition.

gnomAD v4.1: 2 of 1,610,542 alleles (0.00012%); highest among the groups gnomAD compares: Non-Finnish European, 0.00017%; no homozygotes.

Submission:

PreventionGenetics, part of Exact Sciences
Classification: Uncertain significance for IFT172-related condition. Last evaluated: 2024-05-10. Review status: no assertion criteria provided. Collection method: clinical testing. Allele origin: germline.
Comment: The IFT172 c.4349C>T variant is predicted to result in the amino acid substitution p.Ala1450Val. To our knowledge, this variant has not been reported in the literature. This variant is reported in 0.00088% of alleles in individuals of European (Non-Finnish) descent in gnomAD. At this time, the clinical significance of this variant is uncertain due to the absence of conclusive functional and genetic evidence.